The following is an entry in ClinVar:

NM_000551.4(VHL):c.340+798A>G

Genes: VHL (von Hippel-Lindau tumor suppressor; plus strand), LOC107303340 (3p25 von Hippel-Lindau tumor suppressor, E3 ubiquitin protein ligase Alu-mediated recombination region; plus strand). Cytogenetic location: 3p25.3.
Variant type: single nucleotide variant.
Coding change: c.340+798A>G on transcript NM_000551.4 (MANE Select); 798 bases into the intron after coding-DNA position 340, A replaced by G.
Molecular consequence: intron variant. On other transcripts: missense variant (1), non-coding transcript variant (1).
Genome position (GRCh38, 1-based): chr3:10,142,985, A>G. VCF-style: chr3-10142985-A-G. GRCh37 (hg19) VCF-style: chr3-10184669-A-G.
Other names: c.563A>G, p.Glu188Gly (NM_001354723.2); c.340+798A>G (NM_198156.3); short protein forms E188G.
Identifiers: ClinVar variation 4793807 (VCV004793807.1).

ClinVar aggregate classification (germline): Uncertain significance (1 of 4 stars; one submission).

Conditions:
Chuvash polycythemia. Also called: POLYCYTHEMIA, VHL-DEPENDENT. Identifiers: Orphanet 238557, MedGen C1837915, MONDO:0009892, OMIM 263400.
Von Hippel-Lindau syndrome (VHLS). Also called: von Hippel–Lindau syndrome; VHL syndrome; Von Hippel-Lindau. Identifiers: Orphanet 892, MedGen C0019562, MONDO:0008667, OMIM 193300. Disease mechanism: loss of function.

Submission:

Labcorp Genetics (formerly Invitae), Labcorp
Classification: Uncertain significance for Von Hippel-Lindau syndrome; Chuvash polycythemia. Last evaluated: 2025-06-27. Review status: criteria provided, single submitter. Criteria: Invitae Variant Classification Sherloc (09022015). Collection method: clinical testing. Allele origin: germline.
Comment: This sequence change falls in intron 1 of the VHL gene. It is not expected to change the encoded amino acid sequence of the VHL protein. However, this sequence change falls within a cryptic exon in the VHL gene, known as exon E1’, which is naturally expressed at low levels in several human tissues (PMID: 29891534). This variant is not present in population databases (gnomAD no frequency). This variant has not been reported in the literature in individuals affected with VHL-related conditions. Algorithms developed to predict the effect of sequence changes on RNA splicing suggest that this variant is not likely to affect RNA splicing. In summary, the available evidence is currently insufficient to determine the role of this variant in disease. Therefore, it has been classified as a Variant of Uncertain Significance.

Literature cited by the submitters: PubMed 29891534.